The following is an entry in ClinVar:

ClinVar aggregate classification (germline): Uncertain significance (1 of 4 stars; one submission).

Allele frequency attached by ClinVar (database versions not stated): TOPMed below 0.00001; gnomAD 0.00001.

Submission:

Labcorp Genetics (formerly Invitae), Labcorp
Classification: Uncertain significance. Last evaluated: 2022-05-30. Review status: criteria provided, single submitter. Criteria: Invitae Variant Classification Sherloc (09022015). Collection method: clinical testing. Allele origin: germline.
Comment: In summary, the available evidence is currently insufficient to determine the role of this variant in disease. Therefore, it has been classified as a Variant of Uncertain Significance. Advanced modeling of protein sequence and biophysical properties (such as structural, functional, and spatial information, amino acid conservation, physicochemical variation, residue mobility, and thermodynamic stability) performed at Invitae indicates that this missense variant is not expected to disrupt NEFH protein function. This variant has not been reported in the literature in individuals affected with NEFH-related conditions. This variant is present in population databases (no rsID available, gnomAD 0.01%). This sequence change replaces proline, which is neutral and non-polar, with serine, which is neutral and polar, at codon 851 of the NEFH protein (p.Pro851Ser).

NM_021076.4(NEFH):c.2551C>T (p.Pro851Ser)

Gene: NEFH (neurofilament heavy chain; plus strand). Cytogenetic location: 22q12.2.
Variant type: single nucleotide variant.
Coding change: c.2551C>T on transcript NM_021076.4 (MANE Select); coding-DNA position 2551, C replaced by T.
Protein change: p.Pro851Ser; replaces proline 851 with serine.
Molecular consequence: missense variant.
Genome position (GRCh38, 1-based): chr22:29,490,191, C>T. VCF-style: chr22-29490191-C-T. GRCh37 (hg19) VCF-style: chr22-29886180-C-T.
Other names: short protein forms P851S.
Identifiers: ClinVar variation 1959719 (VCV001959719.5), dbSNP rs1180852058, ClinGen allele CA411138074.
Genomic context (GRCh38, chr22:29,490,191, plus strand): 5'-CAGGAGGTGAAAGTCAAAGAGCCCCCAAAGAAGGCAGAGGAAGAGAAAGCCCCTGCCACA[C>T]CAAAAACAGAGGAGAAGAAGGACAGCAAGAAAGAGGAGGCACCCAAGAAGGAGGCTCCAA-3'
Protein context (NP_066554.2, residues 841-861): KAEEEKAPAT[Pro851Ser]KTEEKKDSKK